The following is an entry in ClinVar:

NM_017617.5(NOTCH1):c.1556-12C>T

Gene: NOTCH1 (notch receptor 1; minus strand). Cytogenetic location: 9q34.3.
Variant type: single nucleotide variant.
Coding change: c.1556-12C>T on transcript NM_017617.5 (MANE Select); 12 bases into the intron before coding-DNA position 1556, C replaced by T.
Molecular consequence: intron variant.
Genome position (GRCh38, 1-based): chr9:136,516,106, G>A on the plus strand (C>T on the coding strand, the complement: NOTCH1 is on the minus strand). VCF-style: chr9-136516106-G-A. GRCh37 (hg19) VCF-style: chr9-139410558-G-A.
Other names: c.1556-12C>T (LRG_1122t1).
Identifiers: ClinVar variation 514016 (VCV000514016.1), dbSNP rs1554729635, ClinGen allele CA658797387.

ClinVar aggregate classification (germline): Likely benign (1 of 4 stars; one submission).

Allele frequency attached by ClinVar (database versions not stated): gnomAD exomes below 0.00001.
gnomAD v4.1: 1 of 1,553,898 alleles (0.000064%); highest among the groups gnomAD compares: Non-Finnish European, 0.000088%; no homozygotes.

Submission:

GeneDx
Classification: Likely benign. Last evaluated: 2017-12-08. Review status: criteria provided, single submitter. Criteria: GeneDx Variant Classification (06012015). Collection method: clinical testing. Allele origin: germline. Affected: yes.
Comment: This variant is considered likely benign or benign based on one or more of the following criteria: it is a conservative change, it occurs at a poorly conserved position in the protein, it is predicted to be benign by multiple in silico algorithms, and/or has population frequency not consistent with disease.